The following is an entry in ClinVar:

ClinVar aggregate classification (germline): Conflicting classifications of pathogenicity. Review status: criteria provided, conflicting classifications (1 of 4 stars). 2 submissions from 2 submitters: Uncertain significance (1); Benign (1). Last evaluated 2024-02-02.

Conditions:
Inborn genetic diseases. Identifiers: MedGen C0950123, MeSH D030342.
Congenital muscular hypertrophy-cerebral syndrome (CDLS2). Also called: SMC1A-Related Cornelia de Lange Syndrome; Cornelia de Lange syndrome 2. Identifiers: Orphanet 199, MedGen C1802395, MONDO:0010370, OMIM 300590.

Allele frequency attached by ClinVar (database versions not stated): ExAC 0.00001; gnomAD exomes 0.00001 and 0.00002.
gnomAD v4.1: 11 of 1,199,966 alleles (0.00092%); highest among the groups gnomAD compares: South Asian, 0.0071%; no homozygotes.

Submissions (2):

Labcorp Genetics (formerly Invitae), Labcorp
Classification: Benign for Congenital muscular hypertrophy-cerebral syndrome. Last evaluated: 2024-02-02. Review status: criteria provided, single submitter. Criteria: Invitae Variant Classification Sherloc (09022015). Collection method: clinical testing. Allele origin: germline.

Ambry Genetics
Classification: Uncertain significance for Inborn genetic diseases. Last evaluated: 2018-05-30. Review status: criteria provided, single submitter. Criteria: Ambry Variant Classification Scheme 2023. Collection method: clinical testing. Allele origin: germline.
Comment: The p.N1231S variant (also known as c.3692A>G), located in coding exon 25 of the SMC1A gene, results from an A to G substitution at nucleotide position 3692. The asparagine at codon 1231 is replaced by serine, an amino acid with highly similar properties. This amino acid position is highly conserved in available vertebrate species. In addition, this alteration is predicted to be tolerated by in silico analysis. Since supporting evidence is limited at this time, the clinical significance of this alteration remains unclear.

NM_006306.4(SMC1A):c.3692A>G (p.Asn1231Ser)

Gene: SMC1A (structural maintenance of chromosomes 1A; minus strand). Cytogenetic location: Xp11.22.
Variant type: single nucleotide variant.
Coding change: c.3692A>G on transcript NM_006306.4 (MANE Select); coding-DNA position 3692, A replaced by G.
Protein change: p.Asn1231Ser; replaces asparagine 1231 with serine.
Molecular consequence: missense variant.
Genome position (GRCh38, 1-based): chrX:53,380,113, T>C on the plus strand (A>G on the coding strand, the complement: SMC1A is on the minus strand). VCF-style: chrX-53380113-T-C. GRCh37 (hg19) VCF-style: chrX-53407034-T-C.
Other names: c.3626A>G, p.Asn1209Ser (NM_001281463.1); short protein forms N1209S, N1231S.
Identifiers: ClinVar variation 587912 (VCV000587912.10), dbSNP rs782012594, ClinGen allele CA10420234.